The following is an entry in ClinVar:

NM_004453.4(ETFDH):c.1049G>A (p.Arg350Gln)

Gene: ETFDH (electron transfer flavoprotein dehydrogenase; plus strand). Cytogenetic location: 4q32.1.
Variant type: single nucleotide variant.
Coding change: c.1049G>A on transcript NM_004453.4 (MANE Select); coding-DNA position 1049, G replaced by A.
Protein change: p.Arg350Gln; replaces arginine 350 with glutamine.
Molecular consequence: missense variant.
Genome position (GRCh38, 1-based): chr4:158,699,063, G>A. VCF-style: chr4-158699063-G-A. GRCh37 (hg19) VCF-style: chr4-159620215-G-A.
Other names: c.908G>A, p.Arg303Gln (NM_001281737.2); c.866G>A, p.Arg289Gln (NM_001281738.1); short protein forms R289Q, R350Q, R303Q.
Identifiers: ClinVar variation 708396 (VCV000708396.31), dbSNP rs139306043, ClinGen allele CA3122541.

ClinVar aggregate classification (germline): Conflicting classifications of pathogenicity. Review status: criteria provided, conflicting classifications (1 of 4 stars). 9 submissions from 9 submitters: Uncertain significance (5); Likely benign (2). 2 of the submissions do not count toward it. Last evaluated 2026-01-27.

Conditions:
ETFDH-related disorder. Also called: ETFDH-related condition.
Multiple acyl-CoA dehydrogenase deficiency (MADD). Also called: Glutaric aciduria, type 2; ETHYLMALONIC-ADIPICACIDURIA; GA II; Glutaric acidemia type II; GA 2; Glutaric Acidemia type 2. Identifiers: Orphanet 26791, MedGen C0268596, MONDO:0009282, OMIM 231680.

Allele frequency attached by ClinVar (database versions not stated): gnomAD exomes 0.00008 and 0.00018; ExAC 0.00021; ESP Exome Variant Server 0.00062; gnomAD 0.00068 and 0.00074; TOPMed 0.00080; 1000 Genomes Project 0.00100; 1000 Genomes Project 30x 0.00125.
gnomAD v4.1: 223 of 1,613,728 alleles (0.014%); highest among the groups gnomAD compares: African/African-American, 0.22%; no homozygotes.

Submissions (9):

Labcorp Genetics (formerly Invitae), Labcorp
Classification: Likely benign for Multiple acyl-CoA dehydrogenase deficiency. Last evaluated: 2026-01-27. Review status: criteria provided, single submitter. Criteria: Invitae Variant Classification Sherloc (09022015). Collection method: clinical testing. Allele origin: germline.

GeneDx
Classification: Uncertain significance. Last evaluated: 2025-12-09. Review status: criteria provided, single submitter. Criteria: GeneDx Variant Classification Process June 2021. Collection method: clinical testing. Allele origin: germline. Affected: yes.
Comment: In silico analysis suggests that this missense variant does not alter protein structure/function; Has not been previously published as pathogenic or benign to our knowledge; This variant is associated with the following publications: (PMID: 22664151, 20138856, 34595457)

Blueprint Genetics
Classification: Likely benign. Last evaluated: 2024-08-06. Review status: criteria provided, single submitter. Criteria: ACMG Guidelines, 2015. Collection method: clinical testing. Allele origin: germline.

Fulgent Genetics
Classification: Uncertain significance for Multiple acyl-CoA dehydrogenase deficiency. Last evaluated: 2024-02-29. Review status: criteria provided, single submitter. Criteria: ACMG Guidelines, 2015. Collection method: clinical testing. Allele origin: germline.

ARUP Laboratories, Molecular Genetics and Genomics, ARUP Laboratories
Classification: Uncertain significance for Multiple acyl-CoA dehydrogenase deficiency. Last evaluated: 2021-10-08. Review status: criteria provided, single submitter. Criteria: ARUP Molecular Germline Variant Investigation Process 2021. Collection method: clinical testing. Allele origin: germline.
Comment: The ETFDH c.1049G>A; p.Arg350Gln variant (rs139306043) is reported in the literature in a reportedly healthy individual (Er 2010). This variant is also reported in ClinVar (Variation ID: 708396), and is found in the African/African-American population with an allele frequency of 0.20% (50/24962 alleles) in the Genome Aggregation Database. The arginine at codon 350 is weakly conserved, and computational analyses are uncertain whether this variant is neutral or deleterious (REVEL: 0.284). While previously reported pathogenic variants in ETFDH are much more rare in the general population than this variant, due to limited information, the clinical significance of the p.Arg350Gln variant is uncertain at this time. References: Er TK et al. High resolution melting analysis facilitates mutation screening of ETFDH gene: applications in riboflavin-responsive multiple acyl-CoA dehydrogenase deficiency. Clin Chim Acta. 2010 May 2;411(9-10):690-9. PMID: 20138856.

Revvity Omics, Revvity
Classification: Uncertain significance for Multiple acyl-CoA dehydrogenase deficiency. Last evaluated: 2019-07-03. Review status: criteria provided, single submitter. Criteria: ACMG Guidelines, 2015. Collection method: clinical testing. Allele origin: germline.

Illumina Laboratory Services, Illumina
Classification: Uncertain significance for Multiple acyl-CoA dehydrogenase deficiency. Last evaluated: 2017-04-27. Review status: criteria provided, single submitter. Criteria: ICSL Variant Classification Criteria 13 December 2019. Collection method: clinical testing. Allele origin: germline.
Comment: This variant was observed as part of a predisposition screen in an ostensibly healthy population. A literature search was performed for the gene, cDNA change, and amino acid change (where applicable). Publications were found based on this search. However, the evidence from the literature, in combination with allele frequency data from public databases where available, was not sufficient to rule this variant in or out of causing disease. Therefore, this variant is classified as a variant of unknown significance.

PreventionGenetics, part of Exact Sciences
Classification: Likely benign for ETFDH-related condition. Last evaluated: 2022-05-19. Review status: no assertion criteria provided. Collection method: clinical testing. Allele origin: germline. Not counted in ClinVar's aggregate classification.
Comment: This variant is classified as likely benign based on ACMG/AMP sequence variant interpretation guidelines (Richards et al. 2015 PMID: 25741868, with internal and published modifications).

Natera, Inc.
Classification: Uncertain significance for Glutaric aciduria type 2. Last evaluated: 2020-04-21. Review status: no assertion criteria provided. Collection method: clinical testing. Allele origin: germline. Not counted in ClinVar's aggregate classification.

Literature cited by the submitters: PubMed 22664151 (cited by Illumina Laboratory Services, Illumina); PubMed 20138856 (cited by Illumina Laboratory Services, Illumina).